The following is an entry in ClinVar:

NM_000264.5(PTCH1):c.2929del (p.Tyr977fs)

Gene: PTCH1 (patched 1; minus strand). Cytogenetic location: 9q22.32.
Variant type: Deletion.
Coding change: c.2929del on transcript NM_000264.5 (MANE Select); coding-DNA position 2929, one base deleted (T; older notation c.2929delT).
Protein change: p.Tyr977fs; shifts the reading frame from tyrosine 977.
Molecular consequence: frameshift variant. On other transcripts: non-coding transcript variant (1).
Genome position (GRCh38, 1-based): chr9:95,458,252, A deleted on the plus strand (T on the coding strand, the reverse complement: PTCH1 is on the minus strand). VCF-style (leftmost placement, unchanged base first): chr9-95458251-TA-T. GRCh37 (hg19) VCF-style: chr9-98220533-TA-T.
Other names: c.2731del, p.Tyr911fs (NM_001083602.3); c.2926del, p.Tyr976fs (NM_001083603.3); c.2476del, p.Tyr826fs (NM_001083604.3, NM_001083605.3, NM_001083606.3 and 1 more transcripts); c.2773del, p.Tyr925fs (NM_001354918.2); short protein forms Y925fs, Y976fs, Y826fs, Y911fs, Y977fs.
Identifiers: ClinVar variation 1797775 (VCV001797775.2), dbSNP rs2538069658, ClinGen allele CA2580080770.

ClinVar aggregate classification (germline): Pathogenic (1 of 4 stars; one submission).

Conditions:
Hereditary cancer-predisposing syndrome. Also called: Neoplastic Syndromes, Hereditary; Tumor predisposition; Hereditary Cancer Syndrome; Hereditary neoplastic syndrome. Identifiers: Orphanet 140162, MedGen C0027672, MeSH D009386, MONDO:0015356.

Submission:

Ambry Genetics
Classification: Pathogenic for Hereditary cancer-predisposing syndrome. Last evaluated: 2022-03-01. Review status: criteria provided, single submitter. Criteria: Ambry Variant Classification Scheme 2023. Collection method: clinical testing. Allele origin: germline.
Comment: The c.2929delT pathogenic mutation, located in coding exon 18 of the PTCH1 gene, results from a deletion of one nucleotide at nucleotide position 2929, causing a translational frameshift with a predicted alternate stop codon (p.Y977Tfs*18). This alteration has been observed in at least one individual with a personal and/or family history that is consistent with PTCH1-related disease (Ambry internal data). This variant is considered to be rare based on population cohorts in the Genome Aggregation Database (gnomAD). This alteration is expected to result in loss of function by premature protein truncation or nonsense-mediated mRNA decay. As such, this alteration is interpreted as a disease-causing mutation.